The following is an entry in ClinVar:

ClinVar aggregate classification (germline): Benign. Review status: criteria provided, multiple submitters, no conflicts (2 of 4 stars). 2 submissions from 2 submitters: Benign (2). Last evaluated 2019-01-18.

Allele frequency attached by ClinVar (database versions not stated): ESP Exome Variant Server 0.51253; gnomAD exomes 0.53690 and 0.61469; gnomAD 0.54427 and 0.55773; TOPMed 0.55566; ExAC 0.61049; 1000 Genomes Project 30x 0.67786; 1000 Genomes Project 0.69109.
gnomAD v4.1: 866,406 of 1,606,602 alleles (54%); highest among the groups gnomAD compares: East Asian, 100%; 243,783 homozygotes.

Submissions (2):

GeneDx
Classification: Benign. Last evaluated: 2019-01-18. Review status: criteria provided, single submitter. Criteria: GeneDx Variant Classification Process June 2021. Collection method: clinical testing. Allele origin: germline. Affected: yes.
Comment: This variant is associated with the following publications: (PMID: 25402503, 27169428)

Breakthrough Genomics
Classification: Benign. Review status: criteria provided, single submitter. Criteria: ACMG Guidelines, 2015. Collection method: not provided. Allele origin: germline. Inheritance: Unknown mechanism. Affected: yes.

NM_014207.4(CD5):c.1412C>T (p.Ala471Val)

Gene: CD5 (CD5 molecule; plus strand). Cytogenetic location: 11q12.2.
Variant type: single nucleotide variant.
Coding change: c.1412C>T on transcript NM_014207.4 (MANE Select); coding-DNA position 1412, C replaced by T.
Protein change: p.Ala471Val; replaces alanine 471 with valine.
Molecular consequence: missense variant.
Genome position (GRCh38, 1-based): chr11:61,125,763, C>T. VCF-style: chr11-61125763-C-T. GRCh37 (hg19) VCF-style: chr11-60893235-C-T.
Other names: c.1241C>T, p.Ala414Val (NM_001346456.2); short protein forms A414V, A471V.
Identifiers: ClinVar variation 1268377 (VCV001268377.2), dbSNP rs2229177, ClinGen allele CA6030850.